The following is an entry in ClinVar:

ClinVar aggregate classification (germline): Pathogenic (1 of 4 stars; one submission).

Conditions:
Bardet-Biedl syndrome (BBS). Identifiers: Orphanet 110, MedGen C0752166, MONDO:0015229.

Submission:

Women's Health and Genetics/Laboratory Corporation of America, LabCorp
Classification: Pathogenic for Bardet-Biedl syndrome. Last evaluated: 2025-03-03. Review status: criteria provided, single submitter. Criteria: LabCorp Variant Classification Summary - May 2015. Collection method: clinical testing. Allele origin: germline.
Comment: Variant summary: BBS1 c.859G>T (p.Glu287X) results in a premature termination codon, predicted to cause absence of the protein due to nonsense mediated decay, which is a commonly known mechanism for disease. The variant was absent in 251482 control chromosomes. To our knowledge, no occurrence of c.859G>T in individuals affected with Bardet-Biedl Syndrome and no experimental evidence demonstrating its impact on protein function have been reported. No submitters have cited clinical-significance assessments for this variant to ClinVar. Based on the evidence outlined above, the variant was classified as pathogenic.

NM_024649.5(BBS1):c.859G>T (p.Glu287Ter)

Genes: BBS1 (Bardet-Biedl syndrome 1; plus strand), ZDHHC24 (zDHHC palmitoyltransferase 24; minus strand). Cytogenetic location: 11q13.2.
Variant type: single nucleotide variant.
Coding change: c.859G>T on transcript NM_024649.5 (MANE Select); coding-DNA position 859, G replaced by T.
Protein change: p.Glu287Ter; replaces glutamic acid 287 with a stop codon.
Molecular consequence: nonsense. On other transcripts: intron variant (1).
Genome position (GRCh38, 1-based): chr11:66,523,484, G>T. VCF-style: chr11-66523484-G-T. GRCh37 (hg19) VCF-style: chr11-66290955-G-T.
Other names: c.*22-2018C>A (NM_001348571.2); short protein forms E287*.
Identifiers: ClinVar variation 3895880 (VCV003895880.1).